The following is an entry in ClinVar:

ClinVar aggregate classification (germline): Pathogenic/Likely pathogenic. Review status: criteria provided, multiple submitters, no conflicts (2 of 4 stars). 8 submissions from 8 submitters: Pathogenic (5); Likely pathogenic (3). Last evaluated 2025-11-25.

Conditions:
Hypophosphatemic rickets, autosomal recessive, 2 (ARHR2). Identifiers: Orphanet 289176, MedGen C2750078, MONDO:0013219, OMIM 613312.
Hypopigmentation-punctate palmoplantar keratoderma syndrome. Also called: Cole disease; GUTTATE HYPOPIGMENTATION AND PUNCTATE PALMOPLANTAR KERATODERMA WITH OR WITHOUT ECTOPIC CALCIFICATION. Identifiers: Orphanet 324561, MedGen C3809781, MONDO:0014227, OMIM 615522.
Arterial calcification, generalized, of infancy, 1 (GACI1). Also called: Idiopathic Infantile Arterial Calcification. Identifiers: Orphanet 51608, MedGen C4551985, MONDO:0008817, OMIM 208000.
Inherited obesity. Also called: Monogenic Obesity. Identifiers: Orphanet 77828, MedGen C4054476, MONDO:0019182, OMIM 601665.
Type 2 diabetes mellitus. Also called: Type II diabetes mellitus. Identifiers: MedGen C0011860, MeSH D003924, MONDO:0005148, OMIM 125853, HP:0005978.
ENPP1-related disorder. Also called: ENPP1-related disorders; ENPP1-related condition.

Allele frequency attached by ClinVar (database versions not stated): gnomAD exomes 0.00001 and 0.00002; ExAC 0.00002; TOPMed 0.00002; ESP Exome Variant Server 0.00008.
gnomAD v4.1: 32 of 1,613,450 alleles (0.002%); highest among the groups gnomAD compares: South Asian, 0.0044%; no homozygotes.

Submissions (8):

Labcorp Genetics (formerly Invitae), Labcorp
Classification: Pathogenic. Last evaluated: 2025-11-25. Review status: criteria provided, single submitter. Criteria: Invitae Variant Classification Sherloc (09022015). Collection method: clinical testing. Allele origin: germline.
Comment: This sequence change replaces arginine, which is basic and polar, with tryptophan, which is neutral and slightly polar, at codon 481 of the ENPP1 protein (p.Arg481Trp). RNA analysis indicates that this missense change induces altered splicing and may result in an absent or altered protein product. This variant is present in population databases (rs373044722, gnomAD 0.003%). This missense change has been observed in individuals with autosomal recessive ENPP1-related conditions (PMID: 12881724, 29244957, 31826312). It has also been observed to segregate with disease in related individuals. ClinVar contains an entry for this variant (Variation ID: 547983). Invitae Evidence Modeling of protein sequence and biophysical properties (such as structural, functional, and spatial information, amino acid conservation, physicochemical variation, residue mobility, and thermodynamic stability) has been performed for this missense variant. However, the output from this modeling did not meet the statistical confidence thresholds required to predict the impact of this variant on ENPP1 protein function. Studies have shown that this missense change results in skipping of exon 15, and produces a non-functional protein and/or introduces a premature termination codon (PMID: 12881724). For these reasons, this variant has been classified as Pathogenic.

Blueprint Genetics
Classification: Likely pathogenic for ENPP1-related disorders. Last evaluated: 2024-09-24. Review status: criteria provided, single submitter. Criteria: ACMG Guidelines, 2015. Collection method: clinical testing. Allele origin: germline. Affected: yes. Observed: 3 variant alleles.

Genomic Medicine Center of Excellence, King Faisal Specialist Hospital and Research Centre
Classification: Likely pathogenic for Arterial calcification, generalized, of infancy, 1. Last evaluated: 2024-03-26. Review status: criteria provided, single submitter. Criteria: ACMG Guidelines, 2015. Collection method: clinical testing. Allele origin: germline.

Fulgent Genetics
Classification: Pathogenic for Type 2 diabetes mellitus; Arterial calcification, generalized, of infancy, 1; Inherited obesity; Hypophosphatemic rickets, autosomal recessive, 2; Hypopigmentation-punctate palmoplantar keratoderma syndrome. Last evaluated: 2024-03-04. Review status: criteria provided, single submitter. Criteria: ACMG Guidelines, 2015. Collection method: clinical testing. Allele origin: germline.

3billion
Classification: Pathogenic for Hypophosphatemic rickets, autosomal recessive, 2. Last evaluated: 2022-05-22. Review status: criteria provided, single submitter. Criteria: ACMG Guidelines, 2015. Collection method: clinical testing. Allele origin: germline. Affected: yes. Observed: 1 homozygote.
Comment: The variant is observed at an extremely low frequency in the gnomAD v2.1.1 dataset (total allele frequency: <0.001%). Missense variant: previously reported to alter splicing and result in a loss of normal protein fucnction through nonsense-mediated decay (NMD) or protein truncation (PMID:12881724). Functional studies provide moderate evidence of the variant having a damaging effect on the gene or gene product (PMID:12881724). Same nucleotide change resulting in same amino acid change has been previously reported as pathogenic/likely pathogenic with strong evidence (ClinVar ID: VCV000547983). A different missense change at the same codon (p.Arg481Gln) has been reported to be associated with ENPP1 related disorder (PMID: 26857895). Therefore, this variant is classified as pathogenic according to the recommendation of ACMG/AMP guideline.

Baylor Genetics
Classification: Pathogenic for Arterial calcification, generalized, of infancy, 1. Last evaluated: 2020-01-17. Review status: criteria provided, single submitter. Criteria: ACMG Guidelines, 2015. Collection method: clinical testing. Allele origin: unknown. Affected: yes.
Comment: This variant was determined to be pathogenic according to ACMG Guidelines, 2015 [PMID:25741868].

Illumina Laboratory Services, Illumina
Classification: Likely pathogenic for Arterial calcification, generalized, of infancy, 1. Last evaluated: 2018-10-25. Review status: criteria provided, single submitter. Criteria: ICSL Variant Classification Criteria 09 May 2019. Collection method: clinical testing. Allele origin: germline.
Comment: The ENPP1 c.1441C>T (p.Arg481Trp) missense variant has been reported in at least two studies and is found in a compound heterozygous state in two unrelated individuals with generalized arterial calcification of infancy (Rutsch et al. 2003; Rutsch et al. 2008). One individual is reported to also have an affected sibling detected from prenatal diagnosis (Rutsch et al. 2008). The p.Arg481Trp variant was absent from 100 controls but is reported at a frequency of 0.000116 in the European American population of the Exome Sequencing Project but this is based on one allele so the variant is presumed to be rare. Rutsch et al. (2003) performed RT-PCR studies on total RNA from one of the probands that showed that the p.Arg481Trp variant results in skipping of exon 15 which causes a frameshift. Transfection experiments in osteoblastic osteosarcoma cells showed the variant resulted in reduced activity to 30-40% of that associated with wild type ENPP1. The Arg481 residue lies in the catalytic domain of the ENPP1 protein and is conserved in human, mouse and rat ENPP1 and human ENPP3. Based on the evidence, the p.Arg481Trp variant is classified as likely pathogenic for generalized arterial calcification of infancy. This variant was observed by ICSL as part of a predisposition screen in an ostensibly healthy population.

Mayo Clinic Laboratories, Mayo Clinic
Classification: Pathogenic for Arterial calcification, generalized, of infancy, 1; Hypophosphatemic rickets, autosomal recessive, 2. Last evaluated: 2017-06-28. Review status: criteria provided, single submitter. Criteria: ACMG Guidelines, 2015. Collection method: clinical testing. Allele origin: maternal.

Literature cited by the submitters: PubMed 12881724 (cited by 3 submitters); PubMed 29244957 (cited by Labcorp Genetics (formerly Invitae), Labcorp); PubMed 31826312 (cited by Labcorp Genetics (formerly Invitae), Labcorp); PubMed 26857895 (cited by 3billion); PubMed 20016754 (cited by Illumina Laboratory Services, Illumina).

NM_006208.3(ENPP1):c.1441C>T (p.Arg481Trp)

Gene: ENPP1 (ectonucleotide pyrophosphatase/phosphodiesterase 1; plus strand). Cytogenetic location: 6q23.2.
Variant type: single nucleotide variant.
Coding change: c.1441C>T on transcript NM_006208.3 (MANE Select); coding-DNA position 1441, C replaced by T.
Protein change: p.Arg481Trp; replaces arginine 481 with tryptophan.
Molecular consequence: missense variant.
Genome position (GRCh38, 1-based): chr6:131,872,926, C>T. VCF-style: chr6-131872926-C-T. GRCh37 (hg19) VCF-style: chr6-132194066-C-T.
Other names: short protein forms R481W.
Identifiers: ClinVar variation 547983 (VCV000547983.20), dbSNP rs373044722, ClinGen allele CA4002225.
Genomic context (GRCh38, chr6:131,872,926, plus strand): 5'-GACACTTTTTTAGATATTAGGGAAATAATAGTTTTTCTTTGCTGTTTGCAATTTCAGTGC[C>T]GGGAACCAAACCAGCACTTCAAACCTTACCTGAAACATTTCTTACCTAAGCGTTTGCACT-3'
Protein context (NP_006199.2, residues 471-491): YEGIARNLSC[Arg481Trp]EPNQHFKPYL